The following is an entry in ClinVar:

NM_000047.3(ARSL):c.1265C>T (p.Ala422Val)

Gene: ARSL (arylsulfatase L; minus strand). Cytogenetic location: Xp22.33.
Variant type: single nucleotide variant.
Coding change: c.1265C>T on transcript NM_000047.3 (MANE Select); coding-DNA position 1265, C replaced by T.
Protein change: p.Ala422Val; replaces alanine 422 with valine.
Molecular consequence: missense variant.
Genome position (GRCh38, 1-based): chrX:2,938,119, G>A on the plus strand (C>T on the coding strand, the complement: ARSL is on the minus strand). VCF-style: chrX-2938119-G-A. GRCh37 (hg19) VCF-style: chrX-2856160-G-A.
Other names: c.1340C>T, p.Ala447Val (NM_001282628.2, NM_001369080.1); c.1103C>T, p.Ala368Val (NM_001282631.2); c.1292C>T, p.Ala431Val (NM_001369079.1); short protein forms A368V, A422V, A431V, A447V.
Identifiers: ClinVar variation 2439211 (VCV002439211.5), dbSNP rs758398497, ClinGen allele CA10338040.

ClinVar aggregate classification (germline): Conflicting classifications of pathogenicity. Review status: criteria provided, conflicting classifications (1 of 4 stars). 3 submissions from 3 submitters: Uncertain significance (2); Likely benign (1). Last evaluated 2025-03-11.

Conditions:
Chondrodysplasia punctata, brachytelephalangic, autosomal. Also called: BRACHYTELEPHALANGIC CHONDRODYSPLASIA PUNCTATA. Identifiers: MedGen C1844853, MONDO:0011238, OMIM 602497.
Inborn genetic diseases. Identifiers: MedGen C0950123, MeSH D030342.
X-linked chondrodysplasia punctata 1 (CDPX1). Also called: CHONDRODYSPLASIA PUNCTATA, BRACHYTELEPHALANGIC; Chondrodysplasia punctata, X-linked recessive. Identifiers: Orphanet 79345, MedGen C3669395, MONDO:0010555, OMIM 302950.

Allele frequency attached by ClinVar (database versions not stated): gnomAD exomes 0.00003; TOPMed 0.00003; ExAC 0.00005; gnomAD 0.00006; 1000 Genomes Project 30x 0.00021; 1000 Genomes Project 0.00026.
gnomAD v4.1: 36 of 1,210,129 alleles (0.003%); highest among the groups gnomAD compares: African/African-American, 0.012%; no homozygotes.

Submissions (3):

Labcorp Genetics (formerly Invitae), Labcorp
Classification: Uncertain significance for Chondrodysplasia punctata, brachytelephalangic, autosomal. Last evaluated: 2025-03-11. Review status: criteria provided, single submitter. Criteria: Invitae Variant Classification Sherloc (09022015). Collection method: clinical testing. Allele origin: germline.
Comment: This sequence change replaces alanine, which is neutral and non-polar, with valine, which is neutral and non-polar, at codon 422 of the ARSE protein (p.Ala422Val). This variant is present in population databases (rs758398497, gnomAD 0.02%). This variant has not been reported in the literature in individuals affected with ARSE-related conditions. ClinVar contains an entry for this variant (Variation ID: 2439211). Invitae Evidence Modeling of protein sequence and biophysical properties (such as structural, functional, and spatial information, amino acid conservation, physicochemical variation, residue mobility, and thermodynamic stability) indicates that this missense variant is not expected to disrupt ARSE protein function with a negative predictive value of 80%. In summary, the available evidence is currently insufficient to determine the role of this variant in disease. Therefore, it has been classified as a Variant of Uncertain Significance.

Ambry Genetics
Classification: Likely benign for Inborn genetic diseases. Last evaluated: 2024-07-25. Review status: criteria provided, single submitter. Criteria: Ambry Variant Classification Scheme 2023. Collection method: clinical testing. Allele origin: germline.

Revvity Omics, Revvity
Classification: Uncertain significance for X-linked chondrodysplasia punctata 1. Last evaluated: 2019-12-03. Review status: criteria provided, single submitter. Criteria: ACMG Guidelines, 2015. Collection method: clinical testing. Allele origin: germline.